The following is an entry in ClinVar:

ClinVar aggregate classification (germline): Uncertain significance (1 of 4 stars; one submission).

Conditions:
Very long chain acyl-CoA dehydrogenase deficiency (ACADVLD). Also called: Very Long-Chain Acyl-Coenzyme A Dehydrogenase Deficiency; VLCAD Deficiency. Identifiers: Orphanet 26793, MedGen C3887523, MONDO:0008723, OMIM 201475.

Submission:

Labcorp Genetics (formerly Invitae), Labcorp
Classification: Uncertain significance for Very long chain acyl-CoA dehydrogenase deficiency. Last evaluated: 2022-08-15. Review status: criteria provided, single submitter. Criteria: Invitae Variant Classification Sherloc (09022015). Collection method: clinical testing. Allele origin: germline.
Comment: This variant is not present in population databases (gnomAD no frequency). This variant has not been reported in the literature in individuals affected with ACADVL-related conditions. In summary, the available evidence is currently insufficient to determine the role of this variant in disease. Therefore, it has been classified as a Variant of Uncertain Significance. Algorithms developed to predict the effect of missense changes on protein structure and function are either unavailable or do not agree on the potential impact of this missense change (SIFT: "Deleterious"; PolyPhen-2: "Benign"; Align-GVGD: "Class C0"). ClinVar contains an entry for this variant (Variation ID: 1372824). This sequence change replaces aspartic acid, which is acidic and polar, with glutamic acid, which is acidic and polar, at codon 570 of the ACADVL protein (p.Asp570Glu).

NM_000018.4(ACADVL):c.1710C>A (p.Asp570Glu)

Gene: ACADVL (acyl-CoA dehydrogenase very long chain; plus strand). Cytogenetic location: 17p13.1.
Variant type: single nucleotide variant.
Coding change: c.1710C>A on transcript NM_000018.4 (MANE Select); coding-DNA position 1710, C replaced by A.
Protein change: p.Asp570Glu; replaces aspartic acid 570 with glutamic acid.
Molecular consequence: missense variant.
Genome position (GRCh38, 1-based): chr17:7,224,673, C>A. VCF-style: chr17-7224673-C-A. GRCh37 (hg19) VCF-style: chr17-7127992-C-A.
Other names: c.1644C>A, p.Asp548Glu (NM_001033859.3); c.1779C>A, p.Asp593Glu (NM_001270447.2); c.1482C>A, p.Asp494Glu (NM_001270448.2); short protein forms D494E, D548E, D593E, D570E.
Identifiers: ClinVar variation 1372824 (VCV001372824.6), dbSNP rs759638134, ClinGen allele CA397725708.